The following is an entry in ClinVar:

NM_001127222.2(CACNA1A):c.4052G>T (p.Arg1351Leu)

Gene: CACNA1A (calcium voltage-gated channel subunit alpha1 A; minus strand). Cytogenetic location: 19p13.13.
Variant type: single nucleotide variant.
Coding change: c.4052G>T on transcript NM_001127222.2 (MANE Select); coding-DNA position 4052, G replaced by T.
Protein change: p.Arg1351Leu; replaces arginine 1351 with leucine.
Molecular consequence: missense variant.
Genome position (GRCh38, 1-based): chr19:13,262,771, C>A on the plus strand (G>T on the coding strand, the complement: CACNA1A is on the minus strand). VCF-style: chr19-13262771-C-A. GRCh37 (hg19) VCF-style: chr19-13373585-C-A.
Other names: c.4064G>T, p.Arg1355Leu (NM_000068.4, NM_023035.3); c.4055G>T, p.Arg1352Leu (NM_001127221.2, NM_001174080.2); short protein forms R1352L, R1351L, R1355L.
Identifiers: ClinVar variation 450236 (VCV000450236.4), dbSNP rs1555745467, ClinGen allele CA404339984.

ClinVar aggregate classification (germline): Likely pathogenic. Review status: criteria provided, multiple submitters, no conflicts (2 of 4 stars). 2 submissions from 2 submitters: Likely pathogenic (2). Last evaluated 2017-08-29.

Conditions:
CACNA1A-related disorder. Also called: CACNA1A-related condition.

Submissions (2):

Undiagnosed Diseases Network, NIH
Classification: Likely pathogenic for CACNA1A-related condition. Last evaluated: 2017-08-29. Review status: criteria provided, single submitter. Criteria: ACMG Guidelines, 2015. Collection method: clinical testing. Allele origin: de novo. Inheritance: Autosomal dominant inheritance. Affected: yes. Observed: 1 variant allele, 1 heterozygote.

GeneDx
Classification: Likely pathogenic. Last evaluated: 2017-07-05. Review status: criteria provided, single submitter. Criteria: GeneDx Variant Classification (06012015). Collection method: clinical testing. Allele origin: germline. Affected: yes.
Comment: The R1352L variant has not been published as a pathogenic variant, nor has it been reported as a benign variant to our knowledge. The R1352L variant is not observed in large population cohorts (Lek et al., 2016; 1000 Genomes Consortium et al., 2015; Exome Variant Server). The R1352L variant is a non-conservative amino acid substitution, which is likely to impact secondary protein structure as these residues differ in polarity, charge, size and/or other properties. This occurs at a position that is conserved across species. In silico analysis predicts this variant is probably damaging to the protein structure/function. Missense variants in nearby residues (R1349Q, V1350L, P1353L) have been reported in the Human Gene Mutation Database in association with CACNA1A-related disorders (Stenson et al., 2014), supporting the functional importance of this region of the protein. Therefore, this variant is likely pathogenic; however, the possibility that it is benign cannot be excluded.